The following is an entry in ClinVar:

ClinVar aggregate classification (germline): Likely benign (1 of 4 stars; one submission).

Conditions:
Autosomal dominant childhood-onset proximal spinal muscular atrophy with contractures (SMALED2A). Also called: SPINAL MUSCULAR ATROPHY, LOWER EXTREMITY-PREDOMINANT, 2A, CHILDHOOD ONSET, AUTOSOMAL DOMINANT; Spinal muscular atrophy, lower extremity-predominant, 2A, autosomal dominant. Identifiers: Orphanet 363447, Orphanet 363454, MedGen C4747715, MONDO:0014121, OMIM 615290.

Submission:

Centre for Medical Genetics,  Mumbai
Classification: Likely benign for Autosomal dominant childhood-onset proximal spinal muscular atrophy with contractures. Last evaluated: 2026-03-27. Review status: criteria provided, single submitter. Criteria: ACMG Guidelines, 2015. Collection method: provider interpretation. Allele origin: germline. Inheritance: Autosomal dominant inheritance. Affected: no. Observed: 1 variant allele, 1 heterozygote.
Comment: The variant satisfies PM2 criteria; Extremely low frequency in gnomAD population databases. The variant satisfies PP3 criteria; For a missense or a splicing region variant, computational prediction tools unanimously support a deleterious effect on the gene. However, the variant satisfies BS2 criteria.

Literature cited by the submitters: PubMed 23664116.

NM_001003800.2(BICD2):c.1060C>G (p.Gln354Glu)

Gene: BICD2 (BICD cargo adaptor 2; minus strand). Cytogenetic location: 9q22.31.
Variant type: single nucleotide variant.
Coding change: c.1060C>G on transcript NM_001003800.2 (MANE Select); coding-DNA position 1060, C replaced by G.
Protein change: p.Gln354Glu; replaces glutamine 354 with glutamic acid.
Molecular consequence: missense variant.
Genome position (GRCh38, 1-based): chr9:92,720,302, G>C on the plus strand (C>G on the coding strand, the complement: BICD2 is on the minus strand). VCF-style: chr9-92720302-G-C. GRCh37 (hg19) VCF-style: chr9-95482584-G-C.
Other names: c.1060C>G, p.Gln354Glu (NM_015250.4); short protein forms Q354E.
Identifiers: ClinVar variation 4820305 (VCV004820305.1).